The following is an entry in ClinVar:

ClinVar aggregate classification (germline): Uncertain significance (1 of 4 stars; one submission).

Conditions:
Early-infantile DEE. Also called: Early infantile epileptic encephalopathy; Ohtahara syndrome; Early infantile epileptic encephalopathy with suppression bursts. Identifiers: Orphanet 1934, MedGen C0393706, MONDO:0800491.

Submission:

Labcorp Genetics (formerly Invitae), Labcorp
Classification: Uncertain significance for Early-infantile DEE. Last evaluated: 2019-05-20. Review status: criteria provided, single submitter. Criteria: Invitae Variant Classification Sherloc (09022015). Collection method: clinical testing. Allele origin: germline.
Comment: In summary, the available evidence is currently insufficient to determine the role of this variant in disease. Therefore, it has been classified as a Variant of Uncertain Significance. The current clinical and genetic evidence is not sufficient to establish whether loss-of-function variants in ARHGEF15 cause disease. Algorithms developed to predict the effect of sequence changes on RNA splicing suggest that this variant may disrupt the consensus splice site, but this prediction has not been confirmed by published transcriptional studies. This variant has not been reported in the literature in individuals with ARHGEF15-related conditions. This variant is not present in population databases (ExAC no frequency). This sequence change affects a donor splice site in intron 4 of the ARHGEF15 gene. It is expected to disrupt RNA splicing and likely results in an absent or disrupted protein product.

NM_173728.4(ARHGEF15):c.989+1G>A

Gene: ARHGEF15 (Rho guanine nucleotide exchange factor 15; plus strand). Cytogenetic location: 17p13.1.
Variant type: single nucleotide variant.
Coding change: c.989+1G>A on transcript NM_173728.4 (MANE Select); the canonical splice donor site of the intron after coding-DNA position 989, G replaced by A.
Molecular consequence: splice donor variant.
Genome position (GRCh38, 1-based): chr17:8,313,556, G>A. VCF-style: chr17-8313556-G-A. GRCh37 (hg19) VCF-style: chr17-8216874-G-A.
Other names: c.989+1G>A (NM_025014.2).
Identifiers: ClinVar variation 939772 (VCV000939772.9), dbSNP rs1904811765, ClinGen allele CA398018383.